The following is an entry in ClinVar:

NM_015272.5(RPGRIP1L):c.1840G>C (p.Val614Leu)

Gene: RPGRIP1L (RPGRIP1 like; minus strand). Cytogenetic location: 16q12.2.
Variant type: single nucleotide variant.
Coding change: c.1840G>C on transcript NM_015272.5 (MANE Select); coding-DNA position 1840, G replaced by C.
Protein change: p.Val614Leu; replaces valine 614 with leucine.
Molecular consequence: missense variant.
Genome position (GRCh38, 1-based): chr16:53,652,847, C>G on the plus strand (G>C on the coding strand, the complement: RPGRIP1L is on the minus strand). VCF-style: chr16-53652847-C-G. GRCh37 (hg19) VCF-style: chr16-53686759-C-G.
Other names: c.1840G>C, p.Val614Leu (NM_001127897.4, NM_001308334.3, NM_001330538.2); c.1840G>C (NM_015272.2, NM_015272.4); short protein forms V614L.
Identifiers: ClinVar variation 992031 (VCV000992031.9), dbSNP rs750811808, ClinGen allele CA8057691.

ClinVar aggregate classification (germline): Uncertain significance. Review status: criteria provided, multiple submitters, no conflicts (2 of 4 stars). 4 submissions from 4 submitters: Uncertain significance (3). 1 of the submissions does not count toward it. Last evaluated 2025-11-24.

Conditions:
RPGRIP1L-related disorder. Also called: RPGRIP1L-related condition; RPGRIP1L-related disorders. Identifiers: MedGen CN239416.
Joubert syndrome. Also called: Familial aplasia of the vermis; JOUBERT-BOLTSHAUSER SYNDROME. Identifiers: Orphanet 475, MedGen C5979921, MONDO:0018772.
Inborn genetic diseases. Identifiers: MedGen C0950123, MeSH D030342.
Meckel-Gruber syndrome. Also called: GRUBER SYNDROME; Dysencephalia splachnocystica; DYSENCEPHALIA SPLANCHNOCYSTICA. Identifiers: Orphanet 564, MedGen C0265215, MONDO:0018921.

Allele frequency attached by ClinVar (database versions not stated): gnomAD 0.00001; ExAC 0.00002; TOPMed 0.00002.

Submissions (4):

PreventionGenetics, part of Exact Sciences
Classification: Uncertain significance for RPGRIP1L-related condition. Last evaluated: 2025-11-24. Review status: criteria provided, single submitter. Criteria: ACMG Guidelines, 2015. Collection method: clinical testing. Allele origin: germline.
Comment: The RPGRIP1L c.1840G>C variant is predicted to result in the amino acid substitution p.Val614Leu. To our knowledge, this variant has not been reported in the literature. This variant is reported in 0.0054% of alleles in individuals of European (Non-Finnish) descent in gnomAD. At this time, the clinical significance of this variant is uncertain due to the absence of conclusive functional and genetic evidence.

Labcorp Genetics (formerly Invitae), Labcorp
Classification: Uncertain significance for Joubert syndrome; Meckel-Gruber syndrome. Last evaluated: 2023-11-27. Review status: criteria provided, single submitter. Criteria: Invitae Variant Classification Sherloc (09022015). Collection method: clinical testing. Allele origin: germline.
Comment: This sequence change replaces valine, which is neutral and non-polar, with leucine, which is neutral and non-polar, at codon 614 of the RPGRIP1L protein (p.Val614Leu). This variant is present in population databases (rs750811808, gnomAD 0.006%). This variant has not been reported in the literature in individuals affected with RPGRIP1L-related conditions. ClinVar contains an entry for this variant (Variation ID: 992031). Advanced modeling of protein sequence and biophysical properties (such as structural, functional, and spatial information, amino acid conservation, physicochemical variation, residue mobility, and thermodynamic stability) performed at Invitae indicates that this missense variant is not expected to disrupt RPGRIP1L protein function with a negative predictive value of 80%. In summary, the available evidence is currently insufficient to determine the role of this variant in disease. Therefore, it has been classified as a Variant of Uncertain Significance.

Ambry Genetics
Classification: Uncertain significance for Inborn genetic diseases. Last evaluated: 2023-06-12. Review status: criteria provided, single submitter. Criteria: Ambry Variant Classification Scheme 2023. Collection method: clinical testing. Allele origin: germline.

Natera, Inc.
Classification: Uncertain significance for Joubert syndrome. Last evaluated: 2020-04-24. Review status: no assertion criteria provided. Collection method: clinical testing. Allele origin: germline. Not counted in ClinVar's aggregate classification.